The following is an entry in ClinVar:

NM_001128178.3(NPHP1):c.16C>T (p.Gln6Ter)

Gene: NPHP1 (nephrocystin 1; minus strand). Cytogenetic location: 2q13.
Variant type: single nucleotide variant.
Coding change: c.16C>T on transcript NM_001128178.3 (MANE Select); coding-DNA position 16, C replaced by T.
Protein change: p.Gln6Ter; replaces glutamine 6 with a stop codon.
Molecular consequence: nonsense.
Genome position (GRCh38, 1-based): chr2:110,204,953, G>A on the plus strand (C>T on the coding strand, the complement: NPHP1 is on the minus strand). VCF-style: chr2-110204953-G-A. GRCh37 (hg19) VCF-style: chr2-110962530-G-A.
Other names: c.16C>T, p.Gln6Ter (NM_000272.5, NM_001128179.3, NM_001374256.1 and 2 more transcripts); c.16C>T (NM_000272.3); short protein forms Q6*.
Identifiers: ClinVar variation 1993329 (VCV001993329.5), dbSNP rs1486706164, ClinGen allele CA348094337.

ClinVar aggregate classification (germline): Pathogenic/Likely pathogenic. Review status: criteria provided, multiple submitters, no conflicts (2 of 4 stars). 2 submissions from 2 submitters: Pathogenic (1); Likely pathogenic (1). Last evaluated 2024-12-11.

Conditions:
NPHP1-related disorder. Also called: NPHP1-related condition; NPHP1-related disorders.
Nephronophthisis. Also called: Juvenile Nephronophthisis. Identifiers: Orphanet 655, MedGen C0687120, MONDO:0019005, HP:0000090.

Submissions (2):

PreventionGenetics, part of Exact Sciences
Classification: Likely pathogenic for NPHP1-related condition. Last evaluated: 2024-12-11. Review status: criteria provided, single submitter. Criteria: ACMG Guidelines, 2015. Collection method: clinical testing. Allele origin: germline.
Comment: The NPHP1 c.16C>T variant is predicted to result in premature protein termination (p.Gln6*). To our knowledge, this variant has not been reported in the literature. This variant is present in 1 allele from an individual of Ashkenazi Jewish descent out of 31,352 total alleles in gnomAD. Nonsense variants in NPHP1 are expected to be pathogenic. This variant is interpreted as likely pathogenic.

Labcorp Genetics (formerly Invitae), Labcorp
Classification: Pathogenic for Nephronophthisis. Last evaluated: 2022-05-12. Review status: criteria provided, single submitter. Criteria: Invitae Variant Classification Sherloc (09022015). Collection method: clinical testing. Allele origin: germline.
Comment: This sequence change creates a premature translational stop signal (p.Gln6*) in the NPHP1 gene. It is expected to result in an absent or disrupted protein product. Loss-of-function variants in NPHP1 are known to be pathogenic (PMID: 23559409). For these reasons, this variant has been classified as Pathogenic. This variant has not been reported in the literature in individuals affected with NPHP1-related conditions. This variant is present in population databases (no rsID available, gnomAD 0.3%).

Literature cited by the submitters: PubMed 23559409 (cited by Labcorp Genetics (formerly Invitae), Labcorp).